The following is an entry in ClinVar:

ClinVar aggregate classification (germline): Conflicting classifications of pathogenicity. Review status: criteria provided, conflicting classifications (1 of 4 stars). 6 submissions from 6 submitters: Pathogenic (1); Likely pathogenic (1); Uncertain significance (3). 1 of the submissions does not count toward it. Last evaluated 2025-11-25.

Conditions:
PDE6B-related disorder. Also called: PDE6B-related disorders; PDE6B-related disease; PDE6B-related condition.
Retinitis pigmentosa (RP). Identifiers: Orphanet 791, MedGen C0035334, MeSH D012174, MONDO:0019200, OMIM 268000. Inheritance: Autosomal dominant, autosomal recessive and X linked inheritance.
Retinitis pigmentosa 40 (RP40). Identifiers: Orphanet 791, MedGen C3151107, MONDO:0013429, OMIM 613801.
Congenital stationary night blindness autosomal dominant 2. Also called: NIGHT BLINDNESS, CONGENITAL STATIONARY, RAMBUSCH TYPE. Identifiers: Orphanet 215, MedGen C1876182, MONDO:0008099, OMIM 163500.

Allele frequency attached by ClinVar (database versions not stated): gnomAD 0.00002; ExAC 0.00002; gnomAD exomes 0.00001.
gnomAD v4.1: 14 of 1,591,684 alleles (0.00088%); highest among the groups gnomAD compares: African/African-American, 0.004%; no homozygotes.

Submissions (6):

Labcorp Genetics (formerly Invitae), Labcorp
Classification: Uncertain significance. Last evaluated: 2025-11-25. Review status: criteria provided, single submitter. Criteria: Invitae Variant Classification Sherloc (09022015). Collection method: clinical testing. Allele origin: germline.
Comment: This sequence change replaces glutamic acid, which is acidic and polar, with lysine, which is basic and polar, at codon 105 of the PDE6B protein (p.Glu105Lys). The frequency data for this variant in the population databases is considered unreliable, as metrics indicate poor data quality at this position in the gnomAD database. This missense change has been observed in individuals with autosomal recessive retinitis pigmentosa (PMID: 24938718, 28912962, 30718709, 30998820, 33576794). ClinVar contains an entry for this variant (Variation ID: 92767). Invitae Evidence Modeling of protein sequence and biophysical properties (such as structural, functional, and spatial information, amino acid conservation, physicochemical variation, residue mobility, and thermodynamic stability) has been performed for this missense variant. However, the output from this modeling did not meet the statistical confidence thresholds required to predict the impact of this variant on PDE6B protein function. In summary, the available evidence is currently insufficient to determine the role of this variant in disease. Therefore, it has been classified as a Variant of Uncertain Significance.

3billion
Classification: Likely pathogenic for Retinitis pigmentosa 40. Last evaluated: 2023-12-19. Review status: criteria provided, single submitter. Criteria: ACMG Guidelines, 2015. Collection method: clinical testing. Allele origin: germline. Affected: yes.
Comment: The variant is observed at an extremely low frequency in the gnomAD v2.1.1 dataset (total allele frequency: 0.002%). Predicted Consequence/Location: Missense variant In silico tool predictions suggest damaging effect of the variant on gene or gene product [REVEL: 0.83 (>=0.6, sensitivity 0.68 and specificity 0.92)]. Same nucleotide change resulting in same amino acid change has been previously reported to be associated with PDE6B related disorder (ClinVar ID: VCV000092767 /PMID: 24938718).The variant has been reported to be in trans with a pathogenic variant as either compound heterozygous or homozygous in at least one similarly affected unrelated individual (PMID: 30718709, 30998820, 33576794). Therefore, this variant is classified as Likely pathogenic according to the recommendation of ACMG/AMP guideline.

Blueprint Genetics
Classification: Pathogenic for PDE6B-related disorders. Last evaluated: 2023-04-24. Review status: criteria provided, single submitter. Criteria: ACMG Guidelines, 2015. Collection method: clinical testing. Allele origin: germline. Affected: yes. Observed: 4 variant alleles.

Illumina Laboratory Services, Illumina
Classification: Uncertain significance for Congenital stationary night blindness autosomal dominant 2. Last evaluated: 2017-10-03. Review status: criteria provided, single submitter. Criteria: ICSL Variant Classification Criteria 13 December 2019. Collection method: clinical testing. Allele origin: germline.

Eurofins Ntd Llc (ga)
Classification: Uncertain significance. Last evaluated: 2013-09-19. Review status: criteria provided, single submitter. Criteria: EGL Classification Definitions 2015. Collection method: clinical testing. Allele origin: germline. Observed: 1 variant allele, 1 heterozygote.

Department of Clinical Genetics, Copenhagen University Hospital, Rigshospitalet
Classification: Uncertain significance for Retinitis pigmentosa. Last evaluated: 2018-04-01. Review status: no assertion criteria provided. Collection method: research. Allele origin: unknown. Affected: yes. Study: VeluxRD. Not counted in ClinVar's aggregate classification.

Literature cited by the submitters: PubMed 24938718 (cited by Labcorp Genetics (formerly Invitae), Labcorp and 3billion); PubMed 28912962 (cited by Labcorp Genetics (formerly Invitae), Labcorp); PubMed 30718709 (cited by 3 submitters); PubMed 30998820 (cited by Labcorp Genetics (formerly Invitae), Labcorp and 3billion); PubMed 33576794 (cited by Labcorp Genetics (formerly Invitae), Labcorp and 3billion).

NM_000283.4(PDE6B):c.313G>A (p.Glu105Lys)

Gene: PDE6B (phosphodiesterase 6B; plus strand). Cytogenetic location: 4p16.3.
Variant type: single nucleotide variant.
Coding change: c.313G>A on transcript NM_000283.4 (MANE Select); coding-DNA position 313, G replaced by A.
Protein change: p.Glu105Lys; replaces glutamic acid 105 with lysine.
Molecular consequence: missense variant.
Genome position (GRCh38, 1-based): chr4:625,939, G>A. VCF-style: chr4-625939-G-A. GRCh37 (hg19) VCF-style: chr4-619728-G-A.
Other names: c.313G>A, p.Glu105Lys (NM_001145291.2); short protein forms E105K.
Identifiers: ClinVar variation 92767 (VCV000092767.20), dbSNP rs398123299, ClinGen allele CA220605.